The following is an entry in ClinVar:

ClinVar aggregate classification (germline): Uncertain significance (1 of 4 stars; one submission).

gnomAD v4.1: 1 of 1,580,844 alleles (0.000063%); highest among the groups gnomAD compares: African/African-American, 0.0013%; no homozygotes.

Submission:

Labcorp Genetics (formerly Invitae), Labcorp
Classification: Uncertain significance. Last evaluated: 2023-08-02. Review status: criteria provided, single submitter. Criteria: Invitae Variant Classification Sherloc (09022015). Collection method: clinical testing. Allele origin: germline.
Comment: In summary, the available evidence is currently insufficient to determine the role of this variant in disease. Therefore, it has been classified as a Variant of Uncertain Significance. An algorithm developed to predict the effect of missense changes on protein structure and function (PolyPhen-2) suggests that this variant is likely to be disruptive. This variant has not been reported in the literature in individuals affected with GEN1-related conditions. This variant is not present in population databases (gnomAD no frequency). This sequence change replaces tryptophan, which is neutral and slightly polar, with cysteine, which is neutral and slightly polar, at codon 366 of the GEN1 protein (p.Trp366Cys).

NM_001130009.3(GEN1):c.1098G>C (p.Trp366Cys)

Gene: GEN1 (GEN1 structure-specific endonuclease; plus strand). Cytogenetic location: 2p24.2.
Variant type: single nucleotide variant.
Coding change: c.1098G>C on transcript NM_001130009.3 (MANE Select); coding-DNA position 1098, G replaced by C.
Protein change: p.Trp366Cys; replaces tryptophan 366 with cysteine.
Molecular consequence: missense variant.
Genome position (GRCh38, 1-based): chr2:17,774,297, G>C. VCF-style: chr2-17774297-G-C. GRCh37 (hg19) VCF-style: chr2-17955564-G-C.
Other names: c.1098G>C, p.Trp366Cys (NM_182625.5); short protein forms W366C.
Identifiers: ClinVar variation 2816072 (VCV002816072.3), dbSNP rs768259329, ClinGen allele CA345920096.